The following is an entry in ClinVar:

NM_020822.3(KCNT1):c.118T>C (p.Cys40Arg)

Gene: KCNT1 (potassium sodium-activated channel subfamily T member 1; plus strand). Cytogenetic location: 9q34.3.
Variant type: single nucleotide variant.
Coding change: c.118T>C on transcript NM_020822.3 (MANE Select); coding-DNA position 118, T replaced by C.
Protein change: p.Cys40Arg; replaces cysteine 40 with arginine.
Molecular consequence: missense variant. On other transcripts: intron variant (1).
Genome position (GRCh38, 1-based): chr9:135,714,584, T>C. VCF-style: chr9-135714584-T-C. GRCh37 (hg19) VCF-style: chr9-138606430-T-C.
Other names: c.110+12216T>C (NM_001272003.2); short protein forms C40R.
Identifiers: ClinVar variation 2943704 (VCV002943704.3), dbSNP rs2490604654, ClinGen allele CA375493196.

ClinVar aggregate classification (germline): Uncertain significance (1 of 4 stars; one submission).

Conditions:
Autosomal dominant nocturnal frontal lobe epilepsy 5. Also called: Epilepsy, nocturnal frontal lobe, 5; CILIARY DYSKINESIA, PRIMARY, 28, WITHOUT SITUS INVERSUS; CILIARY DYSKINESIA, PRIMARY, 28, WITH SITUS INVERSUS; KCNT1-Related Epilepsy. Identifiers: Orphanet 98784, MedGen C3554306, MONDO:0014002, OMIM 615005.
Developmental and epileptic encephalopathy, 14 (DEE14). Also called: Early infantile epileptic encephalopathy 14. Identifiers: Orphanet 293181, MedGen C3554195, MONDO:0013989, OMIM 614959.

Allele frequency attached by ClinVar (database versions not stated): gnomAD exomes below 0.00001.
gnomAD v4.1: 2 of 1,363,210 alleles (0.00015%); highest among the groups gnomAD compares: Non-Finnish European, 0.00019%; no homozygotes.

Submission:

Labcorp Genetics (formerly Invitae), Labcorp
Classification: Uncertain significance for Autosomal dominant nocturnal frontal lobe epilepsy 5; Developmental and epileptic encephalopathy, 14. Last evaluated: 2023-02-27. Review status: criteria provided, single submitter. Criteria: Invitae Variant Classification Sherloc (09022015). Collection method: clinical testing. Allele origin: germline.
Comment: Advanced modeling of protein sequence and biophysical properties (such as structural, functional, and spatial information, amino acid conservation, physicochemical variation, residue mobility, and thermodynamic stability) performed at Invitae indicates that this missense variant is not expected to disrupt KCNT1 protein function. In summary, the available evidence is currently insufficient to determine the role of this variant in disease. Therefore, it has been classified as a Variant of Uncertain Significance. This variant has not been reported in the literature in individuals affected with KCNT1-related conditions. This variant is not present in population databases (gnomAD no frequency). This sequence change replaces cysteine, which is neutral and slightly polar, with arginine, which is basic and polar, at codon 40 of the KCNT1 protein (p.Cys40Arg).